The following is an entry in ClinVar:

NM_001848.3(COL6A1):c.1091C>T (p.Pro364Leu)

Gene: COL6A1 (collagen type VI alpha 1 chain; plus strand). Cytogenetic location: 21q22.3.
Variant type: single nucleotide variant.
Coding change: c.1091C>T on transcript NM_001848.3 (MANE Select); coding-DNA position 1091, C replaced by T.
Protein change: p.Pro364Leu; replaces proline 364 with leucine.
Molecular consequence: missense variant.
Genome position (GRCh38, 1-based): chr21:45,991,013, C>T. VCF-style: chr21-45991013-C-T. GRCh37 (hg19) VCF-style: chr21-47410927-C-T.
Other names: short protein forms P364L.
Identifiers: ClinVar variation 4281568 (VCV004281568.7).

ClinVar aggregate classification (germline): Uncertain significance (1 of 4 stars; one submission).

Submission:

CeGaT Center for Human Genetics Tuebingen
Classification: Uncertain significance. Last evaluated: 2025-09-01. Review status: criteria provided, single submitter. Criteria: CeGaT Center For Human Genetics Tuebingen Variant Classification Criteria Version 2. Collection method: clinical testing. Allele origin: germline. Affected: yes. Observed: 1 variant allele.
Comment: COL6A1: PM2, PS2:Moderate